The following is an entry in ClinVar:

NM_006662.3(SRCAP):c.8879G>A (p.Gly2960Asp)

Gene: SRCAP (Snf2 related CREBBP activator protein; plus strand). Cytogenetic location: 16p11.2.
Variant type: single nucleotide variant.
Coding change: c.8879G>A on transcript NM_006662.3 (MANE Select); coding-DNA position 8879, G replaced by A.
Protein change: p.Gly2960Asp; replaces glycine 2960 with aspartic acid.
Molecular consequence: missense variant.
Genome position (GRCh38, 1-based): chr16:30,738,919, G>A. VCF-style: chr16-30738919-G-A. GRCh37 (hg19) VCF-style: chr16-30750240-G-A.
Other names: short protein forms G2960D.
Identifiers: ClinVar variation 3772103 (VCV003772103.13).

ClinVar aggregate classification (germline): Uncertain significance (1 of 4 stars; one submission).

Submission:

CeGaT Center for Human Genetics Tuebingen
Classification: Uncertain significance. Last evaluated: 2024-12-01. Review status: criteria provided, single submitter. Criteria: CeGaT Center For Human Genetics Tuebingen Variant Classification Criteria Version 2. Collection method: clinical testing. Allele origin: germline. Affected: yes. Observed: 1 variant allele.
Comment: SRCAP: PM2